The following is an entry in ClinVar:

NM_024675.4(PALB2):c.3369G>A (p.Val1123=)

Gene: PALB2 (partner and localizer of BRCA2; minus strand). Cytogenetic location: 16p12.2.
Variant type: single nucleotide variant.
Coding change: c.3369G>A on transcript NM_024675.4 (MANE Select); coding-DNA position 3369, G replaced by A.
Protein change: p.Val1123=; no amino-acid change (valine 1123 retained).
Molecular consequence: synonymous variant.
Genome position (GRCh38, 1-based): chr16:23,603,651, C>T on the plus strand (G>A on the coding strand, the complement: PALB2 is on the minus strand). VCF-style: chr16-23603651-C-T. GRCh37 (hg19) VCF-style: chr16-23614972-C-T.
Identifiers: ClinVar variation 460992 (VCV000460992.22), dbSNP rs753357848, ClinGen allele CA7963349.

ClinVar aggregate classification (germline): Benign/Likely benign. Review status: criteria provided, multiple submitters, no conflicts (2 of 4 stars). 6 submissions from 6 submitters: Benign (1); Likely benign (4). 1 of the submissions does not count toward it. Last evaluated 2025-05-13.

Conditions:
Familial cancer of breast. Also called: BREAST CANCER, FAMILIAL; Hereditary breast cancer; hereditary breast carcinoma. Identifiers: Orphanet 227535, MedGen C0346153, MONDO:0016419, OMIM 114480. Disease mechanism: loss of function.
Hereditary cancer-predisposing syndrome. Also called: Neoplastic Syndromes, Hereditary; Hereditary Cancer Syndrome; Hereditary neoplastic syndrome; Tumor predisposition. Identifiers: Orphanet 140162, MedGen C0027672, MeSH D009386, MONDO:0015356.

Allele frequency attached by ClinVar (database versions not stated): gnomAD exomes below 0.00001; ExAC 0.00001.
gnomAD v4.1: 5 of 1,613,668 alleles (0.00031%); highest among the groups gnomAD compares: South Asian, 0.0044%; no homozygotes.

Submissions (6):

Labcorp Genetics (formerly Invitae), Labcorp
Classification: Likely benign for Familial cancer of breast. Last evaluated: 2025-05-13. Review status: criteria provided, single submitter. Criteria: Invitae Variant Classification Sherloc (09022015). Collection method: clinical testing. Allele origin: germline.

Myriad Genetics, Inc.
Classification: Benign for Familial cancer of breast. Last evaluated: 2025-01-22. Review status: criteria provided, single submitter. Criteria: Myriad Autosomal Dominant, Autosomal Recessive and X-Linked Classification Criteria (2023). Collection method: clinical testing. Allele origin: unknown.
Comment: This variant is considered benign. This variant is a silent/synonymous amino acid change and it is not expected to impact splicing.

Women's Health and Genetics/Laboratory Corporation of America, LabCorp
Classification: Likely benign. Last evaluated: 2024-08-30. Review status: criteria provided, single submitter. Criteria: LabCorp Variant Classification Summary - May 2015. Collection method: clinical testing. Allele origin: germline.

Ambry Genetics
Classification: Likely benign for Hereditary cancer-predisposing syndrome. Last evaluated: 2019-04-28. Review status: criteria provided, single submitter. Criteria: Ambry Variant Classification Scheme 2023. Collection method: clinical testing. Allele origin: germline.

Color Diagnostics, LLC DBA Color Health
Classification: Likely benign for Hereditary cancer-predisposing syndrome. Last evaluated: 2016-12-19. Review status: criteria provided, single submitter. Criteria: ACMG Guidelines, 2015. Collection method: clinical testing. Allele origin: germline.

Department of Pathology and Laboratory Medicine, Sinai Health System
Classification: Likely benign. Review status: no assertion criteria provided. Collection method: clinical testing. Allele origin: unknown. Affected: yes. Study: The Canadian Open Genetics Repository (COGR). Not counted in ClinVar's aggregate classification.
Comment: The PALB2 p.Val1123= variant was not identified in the literature nor was it identified in the following databases: MutDB, LOVD 3.0, or the Zhejiang Colon Cancer Database. The variant was also identified in dbSNP (ID: rs753357848), ClinVar (1x likely benign), and Cosmic (1x, confirmed somatic, in carcinoma of the breast). The variant was also identified in control databases in 1 of 246186 chromosomes at a frequency of 0.000004 (Genome Aggregation Database Feb 27, 2017). Breakdown of the observations by population include South Asian in 1 of 30776 chromosomes (freq: 0.00003), while the variant was not observed in the African, Other, Latino, European, Ashkenazi Jewish, East Asian, or Finnish populations. The p.Val1123= variant is not expected to have clinical significance because it does not result in a change of amino acid and is not located in a known consensus splice site. In addition, in silico or computational prediction software programs (SpliceSiteFinder, MaxEntScan, NNSPLICE, GeneSplicer, HumanSpliceFinder) do not predict a difference in splicing. In summary, based on the above information the clinical significance of this variant cannot be determined with certainty at this time although we would lean towards a more benign role for this variant. This variant is classified as likely benign.